The following is an entry in ClinVar:

ClinVar aggregate classification (germline): Benign/Likely benign. Review status: criteria provided, multiple submitters, no conflicts (2 of 4 stars). 3 submissions from 3 submitters: Benign (1); Likely benign (1). 1 of the submissions does not count toward it. Last evaluated 2025-06-12.

Conditions:
MAGED2-related disorder. Also called: MAGED2-related condition.

Allele frequency attached by ClinVar (database versions not stated): gnomAD exomes 0.00009 and 0.00015; ExAC 0.00014; gnomAD 0.00019 and 0.00022; 1000 Genomes Project 30x 0.00021; 1000 Genomes Project 0.00026; TOPMed 0.00052.
gnomAD v4.1: 131 of 1,167,801 alleles (0.011%); highest among the groups gnomAD compares: Middle Eastern, 0.17%; 1 homozygote.

Submissions (3):

Labcorp Genetics (formerly Invitae), Labcorp
Classification: Benign. Last evaluated: 2025-06-12. Review status: criteria provided, single submitter. Criteria: Invitae Variant Classification Sherloc (09022015). Collection method: clinical testing. Allele origin: germline.

Blueprint Genetics
Classification: Likely benign. Last evaluated: 2024-08-21. Review status: criteria provided, single submitter. Criteria: ACMG Guidelines, 2015. Collection method: clinical testing. Allele origin: germline.

PreventionGenetics, part of Exact Sciences
Classification: Likely benign for MAGED2-related condition. Last evaluated: 2019-05-02. Review status: no assertion criteria provided. Collection method: clinical testing. Allele origin: germline. Not counted in ClinVar's aggregate classification.
Comment: This variant is classified as likely benign based on ACMG/AMP sequence variant interpretation guidelines (Richards et al. 2015 PMID: 25741868, with internal and published modifications).

NM_177433.3(MAGED2):c.1431G>A (p.Glu477=)

Gene: MAGED2 (MAGE family member D2; plus strand). Cytogenetic location: Xp11.21.
Variant type: single nucleotide variant.
Coding change: c.1431G>A on transcript NM_177433.3 (MANE Select); coding-DNA position 1431, G replaced by A.
Protein change: p.Glu477=; no amino-acid change (glutamic acid 477 retained).
Molecular consequence: synonymous variant.
Genome position (GRCh38, 1-based): chrX:54,815,292, G>A. VCF-style: chrX-54815292-G-A. GRCh37 (hg19) VCF-style: chrX-54841725-G-A.
Other names: c.1431G>A (NM_177433.2); c.1431G>A, p.Glu477= (NM_014599.6, NM_201222.3).
Identifiers: ClinVar variation 739230 (VCV000739230.8), dbSNP rs751416614, ClinGen allele CA10426892.
Genomic context (GRCh38, chrX:54,815,292, plus strand): 5'-GTTATTTTTGTTTCAGGTACAAAAGAAGGATCCCAAGGAATGGGCAGCTCAGTACCGAGA[G>A]GCGATGGAAGCGGATTTGAAGGCTGCAGCTGAGGCTGCAGCTGAAGCCAAGGCTAGGGCC-3'
Protein context (NP_803182.1, residues 467-487): DPKEWAAQYR[Glu477=]AMEADLKAAA